The following is an entry in ClinVar:

NM_000304.4(PMP22):c.350A>G (p.Tyr117Cys)

Gene: PMP22 (peripheral myelin protein 22; minus strand). Cytogenetic location: 17p12.
Variant type: single nucleotide variant.
Coding change: c.350A>G on transcript NM_000304.4 (MANE Select); coding-DNA position 350, A replaced by G.
Protein change: p.Tyr117Cys; replaces tyrosine 117 with cysteine.
Molecular consequence: missense variant. On other transcripts: non-coding transcript variant (2).
Genome position (GRCh38, 1-based): chr17:15,231,050, T>C on the plus strand (A>G on the coding strand, the complement: PMP22 is on the minus strand). VCF-style: chr17-15231050-T-C. GRCh37 (hg19) VCF-style: chr17-15134367-T-C.
Other names: c.350A>G, p.Tyr117Cys (NM_001281455.2, NM_001281456.2, NM_153321.3 and 1 more transcripts); short protein forms Y117C.
Identifiers: ClinVar variation 1936199 (VCV001936199.5), dbSNP rs2508025359, ClinGen allele CA398739764.
Genomic context (GRCh38, chr17:15,231,050, plus strand): 5'-ATGTAGGCGAAACCGTAGGAGTAATCCGAGTTGAGATGCCACTCCGGGTGCCTCACCGTG[T>C]AGATGGCCGCAGCACTCATCACGCACAGACCTGGGGAAGGAGAGGGACAAGCTGGGTGAC-3'
Protein context (NP_000295.1, residues 107-127): GLCVMSAAAI[Tyr117Cys]TVRHPEWHLN

ClinVar aggregate classification (germline): Uncertain significance (1 of 4 stars; one submission).

Conditions:
Charcot-Marie-Tooth disease, type I (CMT1). Also called: Charcot-Marie-Tooth disease type 1; Charcot-Marie-Tooth, Type 1. Identifiers: Orphanet 65753, MedGen C0751036, MONDO:0019011.

Submission:

Labcorp Genetics (formerly Invitae), Labcorp
Classification: Uncertain significance for Charcot-Marie-Tooth disease, type I. Last evaluated: 2022-01-28. Review status: criteria provided, single submitter. Criteria: Invitae Variant Classification Sherloc (09022015). Collection method: clinical testing. Allele origin: germline.
Comment: This variant is not present in population databases (gnomAD no frequency). This sequence change replaces tyrosine, which is neutral and polar, with cysteine, which is neutral and slightly polar, at codon 117 of the PMP22 protein (p.Tyr117Cys). In summary, the available evidence is currently insufficient to determine the role of this variant in disease. Therefore, it has been classified as a Variant of Uncertain Significance. Algorithms developed to predict the effect of missense changes on protein structure and function (SIFT, PolyPhen-2, Align-GVGD) all suggest that this variant is likely to be disruptive. This variant has not been reported in the literature in individuals affected with PMP22-related conditions.